The following is an entry in ClinVar:

ClinVar aggregate classification (germline): Benign/Likely benign. Review status: criteria provided, multiple submitters, no conflicts (2 of 4 stars). 3 submissions from 3 submitters: Benign (1); Likely benign (2). Last evaluated 2025-04-21.

Allele frequency attached by ClinVar (database versions not stated): TOPMed 0.00009; ExAC 0.00017; 1000 Genomes Project 30x 0.00062; 1000 Genomes Project 0.00080; gnomAD exomes 0.00114; gnomAD 0.00220 and 0.00233.
gnomAD v4.1: 1,464 of 1,537,226 alleles (0.095%); highest among the groups gnomAD compares: Non-Finnish European, 0.018%; 14 homozygotes.

Submissions (3):

Labcorp Genetics (formerly Invitae), Labcorp
Classification: Benign. Last evaluated: 2025-04-21. Review status: criteria provided, single submitter. Criteria: Invitae Variant Classification Sherloc (09022015). Collection method: clinical testing. Allele origin: germline.

CeGaT Center for Human Genetics Tuebingen
Classification: Likely benign. Last evaluated: 2024-12-01. Review status: criteria provided, single submitter. Criteria: CeGaT Center For Human Genetics Tuebingen Variant Classification Criteria Version 2. Collection method: clinical testing. Allele origin: germline. Affected: yes. Observed: 1 variant allele.
Comment: PIEZO2: BP4

Blueprint Genetics
Classification: Likely benign. Last evaluated: 2024-11-06. Review status: criteria provided, single submitter. Criteria: ACMG Guidelines, 2015. Collection method: clinical testing. Allele origin: germline.

NM_001378183.1(PIEZO2):c.5378C>G (p.Thr1793Arg)

Gene: PIEZO2 (piezo type mechanosensitive ion channel component 2; minus strand). Cytogenetic location: 18p11.22.
Variant type: single nucleotide variant.
Coding change: c.5378C>G on transcript NM_001378183.1 (MANE Select); coding-DNA position 5378, C replaced by G.
Protein change: p.Thr1793Arg; replaces threonine 1793 with arginine.
Molecular consequence: missense variant.
Genome position (GRCh38, 1-based): chr18:10,714,809, G>C on the plus strand (C>G on the coding strand, the complement: PIEZO2 is on the minus strand). VCF-style: chr18-10714809-G-C. GRCh37 (hg19) VCF-style: chr18-10714807-G-C.
Other names: c.5204C>G, p.Thr1735Arg (NM_022068.4); short protein forms T1735R, T1793R.
Identifiers: ClinVar variation 756435 (VCV000756435.23), dbSNP rs186065260, ClinGen allele CA8892340.
Genomic context (GRCh38, chr18:10,714,809, plus strand): 5'-TAGAAAGTGAAATACCTGGAGATACTGTCATGTGAATCTAAACTATCCATCCTGTGGGCT[G>C]TCTGTGCACCTGAAGCAGCTCCGGGATGCTCGTCAATGGTGTCCAGTCCCGACTCTCTGG-3'
Protein context (NP_001365112.1, residues 1783-1803): EHPGAASGAQ[Thr1793Arg]AHRMDSLDSH